The following is an entry in ClinVar:

NM_002900.3(RBP3):c.1969G>A (p.Val657Met)

Gene: RBP3 (retinol binding protein 3; plus strand). Cytogenetic location: 10q11.22.
Variant type: single nucleotide variant.
Coding change: c.1969G>A on transcript NM_002900.3 (MANE Select); coding-DNA position 1969, G replaced by A.
Protein change: p.Val657Met; replaces valine 657 with methionine.
Molecular consequence: missense variant.
Genome position (GRCh38, 1-based): chr10:47,350,453, G>A. VCF-style: chr10-47350453-G-A. GRCh37 (hg19) VCF-style: chr10-48388909-C-T.
Other names: short protein forms V657M.
Identifiers: ClinVar variation 962468 (VCV000962468.11), dbSNP rs532389581, ClinGen allele CA5487384.

ClinVar aggregate classification (germline): Uncertain significance. Review status: criteria provided, multiple submitters, no conflicts (2 of 4 stars). 3 submissions from 3 submitters: Uncertain significance (3). Last evaluated 2023-10-01.

Conditions:
Retinal dystrophy. Also called: Inherited retinal dystrophy. Identifiers: Orphanet 71862, MedGen C0854723, MeSH D058499, MONDO:0019118, HP:0000556.

Allele frequency attached by ClinVar (database versions not stated): gnomAD 0.00001; TOPMed 0.00001; ExAC 0.00002; 1000 Genomes Project 30x 0.00016; 1000 Genomes Project 0.00020.

Submissions (3):

Dept Of Ophthalmology, Nagoya University
Classification: Uncertain significance for Retinal dystrophy. Last evaluated: 2023-10-01. Review status: criteria provided, single submitter. Criteria: Submitter's publication. Collection method: research. Allele origin: germline. Affected: yes.

Labcorp Genetics (formerly Invitae), Labcorp
Classification: Uncertain significance. Last evaluated: 2022-11-01. Review status: criteria provided, single submitter. Criteria: Invitae Variant Classification Sherloc (09022015). Collection method: clinical testing. Allele origin: germline.
Comment: This sequence change replaces valine, which is neutral and non-polar, with methionine, which is neutral and non-polar, at codon 657 of the RBP3 protein (p.Val657Met). This variant is present in population databases (rs532389581, gnomAD 0.01%). This variant has not been reported in the literature in individuals affected with RBP3-related conditions. ClinVar contains an entry for this variant (Variation ID: 962468). Algorithms developed to predict the effect of missense changes on protein structure and function are either unavailable or do not agree on the potential impact of this missense change (SIFT: "Tolerated"; PolyPhen-2: "Possibly Damaging"; Align-GVGD: "Class C0"). In summary, the available evidence is currently insufficient to determine the role of this variant in disease. Therefore, it has been classified as a Variant of Uncertain Significance.

Blueprint Genetics
Classification: Uncertain significance. Last evaluated: 2022-08-30. Review status: criteria provided, single submitter. Criteria: ACMG Guidelines, 2015. Collection method: clinical testing. Allele origin: germline.